The following is an entry in ClinVar:

NM_012260.4(HACL1):c.215A>T (p.Tyr72Phe)

Gene: HACL1 (2-hydroxyacyl-CoA lyase 1; minus strand). Cytogenetic location: 3p25.1.
Variant type: single nucleotide variant.
Coding change: c.215A>T on transcript NM_012260.4 (MANE Select); coding-DNA position 215, A replaced by T.
Protein change: p.Tyr72Phe; replaces tyrosine 72 with phenylalanine.
Molecular consequence: missense variant. On other transcripts: non-coding transcript variant (1).
Genome position (GRCh38, 1-based): chr3:15,596,396, T>A on the plus strand (A>T on the coding strand, the complement: HACL1 is on the minus strand). VCF-style: chr3-15596396-T-A. GRCh37 (hg19) VCF-style: chr3-15637903-T-A.
Other names: c.215A>T, p.Tyr72Phe (NM_001284413.2, NM_001284415.2, NM_001284416.2); short protein forms Y72F.
Identifiers: ClinVar variation 3048891 (VCV003048891.2), dbSNP rs146264180, ClinGen allele CA2276999.

ClinVar aggregate classification (germline): Likely benign (0 of 4 stars; one submission).

Conditions:
HACL1-related disorder. Also called: HACL1-related condition.

Allele frequency attached by ClinVar (database versions not stated): ESP Exome Variant Server 0.00031; 1000 Genomes Project 0.00160; 1000 Genomes Project 30x 0.00187.
gnomAD v4.1: 1,115 of 1,593,856 alleles (0.07%); highest among the groups gnomAD compares: South Asian, 0.72%; 5 homozygotes.

Submission:

PreventionGenetics, part of Exact Sciences
Classification: Likely benign for HACL1-related condition. Last evaluated: 2023-05-17. Review status: no assertion criteria provided. Collection method: clinical testing. Allele origin: germline.
Comment: This variant is classified as likely benign based on ACMG/AMP sequence variant interpretation guidelines (Richards et al. 2015 PMID: 25741868, with internal and published modifications).